The following is an entry in ClinVar:

NM_000179.3(MSH6):c.3646+16_3646+18del

Gene: MSH6 (mutS homolog 6; plus strand). Cytogenetic location: 2p16.3.
Variant type: Deletion.
Coding change: c.3646+16_3646+18del on transcript NM_000179.3 (MANE Select); bases 16 to 18 of the intron after coding-DNA position 3646, 3 bases deleted (TCT; older notation c.3646+16_3646+18delTCT).
Molecular consequence: intron variant.
Genome position (GRCh38, 1-based): chr2:47,805,723-47,805,725, TCT deleted; deleting any 3 consecutive bases within chr2:47,805,721-47,805,725 gives the same sequence; the c. name uses the placement nearest the transcript's 3' end. VCF-style (leftmost placement, unchanged base first): chr2-47805720-ACTT-A. GRCh37 (hg19) VCF-style: chr2-48032859-ACTT-A.
Other names: c.2740+16_2740+18del (NM_001281493.2, NM_001281494.2); c.3256+16_3256+18del (NM_001281492.2); c.3646+16_3646+18delTCT (NM_000179.2).
Identifiers: ClinVar variation 516306 (VCV000516306.1), dbSNP rs1553332784, ClinGen allele CA658795751.

ClinVar aggregate classification (germline): Likely benign (1 of 4 stars; one submission).

Submission:

GeneDx
Classification: Likely benign. Last evaluated: 2017-06-21. Review status: criteria provided, single submitter. Criteria: GeneDx Variant Classification (06012015). Collection method: clinical testing. Allele origin: germline. Affected: yes.
Comment: This variant is considered likely benign or benign based on one or more of the following criteria: it is a conservative change, it occurs at a poorly conserved position in the protein, it is predicted to be benign by multiple in silico algorithms, and/or has population frequency not consistent with disease.